The following continues an entry in ClinVar:

NM_000218.3(KCNQ1):c.1697C>T (p.Ser566Phe)

Gene: KCNQ1. ClinVar aggregate classification (germline): Pathogenic/Likely pathogenic. Pathogenic (4); Likely pathogenic (8).

Submissions 6 to 15 of 15:

Ambry Genetics
Classification: Likely pathogenic for Cardiovascular phenotype. Last evaluated: 2024-02-22. Review status: criteria provided, single submitter. Criteria: Ambry Variant Classification Scheme 2023. Collection method: clinical testing. Allele origin: germline.
Comment: The p.S566F variant (also known as c.1697C>T), located in coding exon 14 of the KCNQ1 gene, results from a C to T substitution at nucleotide position 1697. The serine at codon 566 is replaced by phenylalanine, an amino acid with highly dissimilar properties, located in the C-terminal cytoplasmic region. This variant has been reported in several long QT syndrome (LQTS) cohorts (Splawski I et al. Circulation. 2000;102:1178-85; Kapa S et al. Circulation. 2009;120:1752-60; Albertella L et al. Arch Dis Child. 2011;96:704-7; Giudicessi JR et al. Circ Cardiovasc Genet. 2012;5:519-28; Stattin EL et al. BMC Cardiovasc Disord. 2012;12:95). Other variants affecting this codon (p.S566Y, p.S566P) have also been detected in LQTS cohorts; however, details were limited (Kapplinger JD. Heart Rhythm. 2009 Sep;6(9):1297-303). This variant is considered to be rare based on population cohorts in the Genome Aggregation Database (gnomAD). This amino acid position is highly conserved in available vertebrate species. In addition, this alteration is predicted to be deleterious by in silico analysis. Based on the majority of available evidence to date, this variant is likely to be pathogenic.

ARUP Laboratories, Molecular Genetics and Genomics, ARUP Laboratories
Classification: Likely pathogenic. Last evaluated: 2023-12-04. Review status: criteria provided, single submitter. Criteria: ARUP Molecular Germline Variant Investigation Process 2024. Collection method: clinical testing. Allele origin: germline.
Comment: The KCNQ1 c.1697C>T; p.Ser566Phe variant (rs199472804) is reported in the literature in numerous individuals affected with or suspected of long QT syndrome (Avari Silva 2016, Giudicessi 2012, Kapa 2009, Lieve 2013, Splawski 2000, Stattin 2012, Walsh 2021). This variant is also absent from the Genome Aggregation Database (v2.1.1), indicating it is not a common polymorphism. Additionally, other variants at this codon (c.1697C>A; p.Ser566Tyr) have been reported in individuals with long QT syndrome (Lieve 2013, Strand 2020, Tester 2005). Computational analyses predict that this variant is deleterious (REVEL: 0.83). Based on available information, this variant is considered to be likely pathogenic. References: Avari Silva JN et al. Implantable Loop Recorder Monitoring for Refining Management of Children With Inherited Arrhythmia Syndromes. J Am Heart Assoc. 2016 May 26;5(6):e003632. PMID: 27231019. Giudicessi JR et al. Phylogenetic and physicochemical analyses enhance the classification of rare nonsynonymous single nucleotide variants in type 1 and 2 long-QT syndrome. Circ Cardiovasc Genet. 2012 Oct 1;5(5):519-28. PMID: 22949429. Kapa S et al. Genetic testing for long-QT syndrome: distinguishing pathogenic mutations from benign variants. Circulation. 2009 Nov 3;120(18):1752-60. PMID: 19841300. Lieve KV et al. Results of genetic testing in 855 consecutive unrelated patients referred for long QT syndrome in a clinical laboratory. Genet Test Mol Biomarkers. 2013 Jul;17(7):553-61. PMID: 23631430. Splawski I et al. Spectrum of mutations in long-QT syndrome genes. KVLQT1, HERG, SCN5A, KCNE1, and KCNE2. Circulation. 2000 Sep 5;102(10):1178-85. PMID: 10973849. Stattin EL et al. Founder mutations characterise the mutation panorama in 200 Swedish index cases referred for Long QT syndrome genetic testing. BMC Cardiovasc Disord. 2012 Oct 25;12:95. PMID: 23098067. Strand S et al. Complex and Novel Arrhythmias Precede Stillbirth in Fetuses With De Novo Long QT Syndrome. Circ Arrhythm Electrophysiol. 2020 May;13(5):e008082. PMID: 32421437. Tester DJ et al. Compendium of cardiac channel mutations in 541 consecutive unrelated patients referred for long QT syndrome genetic testing. Heart Rhythm. 2005 May;2(5):507-17. PMID: 15840476. Walsh R et al. Enhancing rare variant interpretation in inherited arrhythmias through quantitative analysis of consortium disease cohorts and population controls. Genet Med. 2021 Jan;23(1):47-58. PMID: 32893267.

Blueprint Genetics
Classification: Pathogenic for KCNQ1-related disorders. Last evaluated: 2022-10-06. Review status: criteria provided, single submitter. Criteria: ACMG Guidelines, 2015. Collection method: clinical testing. Allele origin: germline. Affected: yes. Observed: 5 variant alleles.

Mayo Clinic Laboratories, Mayo Clinic
Classification: Likely pathogenic. Last evaluated: 2022-01-12. Review status: criteria provided, single submitter. Criteria: ACMG Guidelines, 2015. Collection method: clinical testing. Allele origin: germline.
Comment: PP3, PM1, PM2_supporting, PS4

Fulgent Genetics
Classification: Likely pathogenic for Beckwith-Wiedemann syndrome; Long QT syndrome 1; Jervell and Lange-Nielsen syndrome 1; Atrial fibrillation, familial, 3; Short QT syndrome type 2. Last evaluated: 2021-11-18. Review status: criteria provided, single submitter. Criteria: ACMG Guidelines, 2015. Collection method: clinical testing. Allele origin: unknown.

Women's Health and Genetics/Laboratory Corporation of America, LabCorp
Classification: Likely pathogenic for Long QT syndrome. Last evaluated: 2020-11-30. Review status: criteria provided, single submitter. Criteria: LabCorp Variant Classification Summary - May 2015. Collection method: clinical testing. Allele origin: germline.
Comment: Variant summary: KCNQ1 c.1697C>T (p.Ser566Phe) results in a non-conservative amino acid change located in the Potassium channel, voltage dependent, KCNQ, C-terminal domain of the encoded protein sequence. Five of five in-silico tools predict a damaging effect of the variant on protein function. The variant was absent in 251096 control chromosomes. c.1697C>T has been reported in the literature in multiple individuals and families affected with Long QT Syndrome (Earle_2013, Albertella_2011, Kapplinger_2009, Lieve_2013, Splawski_2000, Zareba_2003, etc). These data indicate that the variant is very likely to be associated with disease. However one clinical lab via ClinVar has reported possible non-segregation with disease observed in at least two families tested. To our knowledge, no experimental evidence demonstrating an impact on protein function has been reported. Other variants at the same codon position have also been reported in association with LQTS in HGMD (S566P, S566Y). Three clinical diagnostic laboratories have submitted clinical-significance assessments for this variant to ClinVar after 2014 without evidence for independent evaluation. All laboratories classified the variant as likely pathogenic. Based on the evidence outlined above, the variant was classified as likley pathogenic.

Stanford Center for Inherited Cardiovascular Disease, Stanford University
Classification: Likely pathogenic. Last evaluated: 2014-12-17. Review status: criteria provided, single submitter. Criteria: ACMG Guidelines, 2015. Collection method: provider interpretation. Allele origin: germline.

Clinical Molecular Genetics Laboratory, Johns Hopkins All Children's Hospital
Classification: Likely pathogenic. Last evaluated: 2016-04-18. Review status: no assertion criteria provided. Collection method: clinical testing. Allele origin: germline. Affected: yes. Not counted in ClinVar's aggregate classification.

Division of Human Genetics, Children's Hospital of Philadelphia
Classification: Likely pathogenic for Long QT syndrome 1. Last evaluated: 2016-03-10. Review status: no assertion criteria provided. Collection method: research. Allele origin: paternal. Affected: yes. Study: CSER-PediSeq. Not counted in ClinVar's aggregate classification.

Cardiovascular Biomedical Research Unit, Royal Brompton & Harefield NHS Foundation Trust
No classification provided. Condition: Familial long QT syndrome. Review status: no classification provided. Collection method: literature only. Allele origin: germline. Not counted in ClinVar's aggregate classification.
Comment: This variant has been reported as associated with Long QT syndrome in the following publications (PMID:10973849;PMID:14678125;PMID:19716085;PMID:19841300;PMID:17470695). This is a literature report, and does not necessarily reflect the clinical interpretation of the Imperial College / Royal Brompton Cardiovascular Genetics laboratory.

Literature cited by the submitters: PubMed 10973849 (cited by 7 submitters); PubMed 14678125 (cited by 5 submitters); PubMed 17470695 (cited by 4 submitters); PubMed 19716085 (cited by 5 submitters); PubMed 21131640 (cited by 4 submitters); PubMed 22456477 (cited by Labcorp Genetics (formerly Invitae), Labcorp); PubMed 22949429 (cited by 4 submitters); PubMed 23098067 (cited by 3 submitters); PubMed 27231019 (cited by 4 submitters); PubMed 15840476 (cited by Labcorp Genetics (formerly Invitae), Labcorp); PubMed 19841300 (cited by 4 submitters); PubMed 32893267 (cited by 3 submitters); PubMed 37445499 (cited by Rady Children's Institute for Genomic Medicine, Rady Children's Hospital San Diego and Molecular Genetics, Royal Melbourne Hospital); PubMed 28438721 (cited by Victorian Clinical Genetics Services, Murdoch Childrens Research Institute); PubMed 20301308 (cited by Victorian Clinical Genetics Services, Murdoch Childrens Research Institute); PubMed 19632626 (cited by Victorian Clinical Genetics Services, Murdoch Childrens Research Institute); PubMed 22927196 (cited by Ambry Genetics); PubMed 22956155 (cited by Ambry Genetics); PubMed 23631430 (cited by Women's Health and Genetics/Laboratory Corporation of America, LabCorp); PubMed 23123674 (cited by Women's Health and Genetics/Laboratory Corporation of America, LabCorp); PubMed 22581653 (cited by Cardiovascular Biomedical Research Unit, Royal Brompton & Harefield NHS Foundation Trust).